The following is an entry in ClinVar:

ClinVar aggregate classification (germline): VUS-low (1 of 4 stars; one submission).

Conditions:
Autosomal recessive nonsyndromic hearing loss 1A (DFNB1A). Also called: Connexin 26 deafness; Deafness nonsyndromic, Connexin 26 linked; GJB6-Related DFNB 1 Nonsyndromic Hearing Loss and Deafness; Deafness, autosomal recessive 1A; Nonsyndromic Hearing Loss and Deafness, DFNB1; GJB2-Related Autosomal Recessive Nonsyndromic Hearing Loss. Identifiers: Orphanet 90636, MedGen C2673759, MONDO:0009076, OMIM 220290.

Submission:

Department of Otorhinolaryngology, Head and Neck Surgery, Xinhua Hospital, Shanghai Jiao Tong University School of Medicine
Classification: VUS-low for Autosomal recessive nonsyndromic hearing loss 1A. Last evaluated: 2026-06-07. Review status: criteria provided, single submitter. Criteria: ACMG Guidelines, 2015. Collection method: clinical testing. Allele origin: germline. Affected: yes.
Comment: PM2

NM_004004.6(GJB2):c.242T>G (p.Leu81Arg)

Gene: GJB2 (gap junction protein beta 2; minus strand). Cytogenetic location: 13q12.11.
Variant type: single nucleotide variant.
Coding change: c.242T>G on transcript NM_004004.6 (MANE Select); coding-DNA position 242, T replaced by G.
Protein change: p.Leu81Arg; replaces leucine 81 with arginine.
Molecular consequence: missense variant.
Genome position (GRCh38, 1-based): chr13:20,189,340, A>C on the plus strand (T>G on the coding strand, the complement: GJB2 is on the minus strand). VCF-style: chr13-20189340-A-C. GRCh37 (hg19) VCF-style: chr13-20763479-A-C.
Other names: short protein forms L81R.
Identifiers: ClinVar variation 4856986 (VCV004856986.1).